The following is an entry in ClinVar:

ClinVar aggregate classification (germline): Uncertain significance. Review status: criteria provided, multiple submitters, no conflicts (2 of 4 stars). 2 submissions from 2 submitters: Uncertain significance (2). Last evaluated 2021-09-02.

Conditions:
X-linked myopathy with postural muscle atrophy. Also called: FHL1-Related Emery-Dreifuss Muscular Dystrophy, X-Linked. Identifiers: Orphanet 178461, MedGen C2678055, MONDO:0010401, OMIM 300696.

Allele frequency attached by ClinVar (database versions not stated): TOPMed below 0.00001; gnomAD 0.00001.
gnomAD v4.1: 2 of 1,211,363 alleles (0.00017%); highest among the groups gnomAD compares: African/African-American, 0.0017%; no homozygotes.

Submissions (2):

Labcorp Genetics (formerly Invitae), Labcorp
Classification: Uncertain significance for X-linked myopathy with postural muscle atrophy. Last evaluated: 2021-09-02. Review status: criteria provided, single submitter. Criteria: Invitae Variant Classification Sherloc (09022015). Collection method: clinical testing. Allele origin: germline.
Comment: This sequence change replaces glutamine with arginine at codon 21 of the FHL1 protein (p.Gln21Arg). The glutamine residue is moderately conserved and there is a small physicochemical difference between glutamine and arginine. This variant is not present in population databases (ExAC no frequency). This variant has not been reported in the literature in individuals affected with FHL1-related conditions. Algorithms developed to predict the effect of missense changes on protein structure and function (SIFT, PolyPhen-2, Align-GVGD) all suggest that this variant is likely to be tolerated. In summary, the available evidence is currently insufficient to determine the role of this variant in disease. Therefore, it has been classified as a Variant of Uncertain Significance.

Revvity Omics, Revvity
Classification: Uncertain significance. Last evaluated: 2019-05-02. Review status: criteria provided, single submitter. Criteria: ACMG Guidelines, 2015. Collection method: clinical testing. Allele origin: germline.

NM_001159699.2(FHL1):c.110A>G (p.Gln37Arg)

Gene: FHL1 (four and a half LIM domains 1; plus strand). Cytogenetic location: Xq26.3.
Variant type: single nucleotide variant.
Coding change: c.110A>G on transcript NM_001159699.2 (MANE Select); coding-DNA position 110, A replaced by G.
Protein change: p.Gln37Arg; replaces glutamine 37 with arginine.
Molecular consequence: missense variant. On other transcripts: non-coding transcript variant (1).
Genome position (GRCh38, 1-based): chrX:136,206,494, A>G. VCF-style: chrX-136206494-A-G. GRCh37 (hg19) VCF-style: chrX-135288653-A-G.
Other names: c.62A>G, p.Gln21Arg (NM_001159700.2, NM_001159702.3, NM_001159703.2 and 9 more transcripts); c.149A>G, p.Gln50Arg (NM_001159701.2); c.110A>G, p.Gln37Arg (NM_001330659.2); short protein forms Q37R, Q50R, Q21R.
Identifiers: ClinVar variation 949362 (VCV000949362.9), dbSNP rs1187549360, ClinGen allele CA414607587.